The following is an entry in ClinVar:

NM_001130987.2(DYSF):c.3391G>T (p.Glu1131Ter)

Gene: DYSF (dysferlin; plus strand). Cytogenetic location: 2p13.2.
Variant type: single nucleotide variant.
Coding change: c.3391G>T on transcript NM_001130987.2 (MANE Select); coding-DNA position 3391, G replaced by T.
Protein change: p.Glu1131Ter; replaces glutamic acid 1131 with a stop codon.
Molecular consequence: nonsense.
Genome position (GRCh38, 1-based): chr2:71,574,360, G>T. VCF-style: chr2-71574360-G-T. GRCh37 (hg19) VCF-style: chr2-71801490-G-T.
Other names: c.3337G>T (NM_003494.3); c.3388G>T, p.Glu1130Ter (NM_001130980.2, NM_001130981.2); c.3433G>T, p.Glu1145Ter (NM_001130982.2); c.3340G>T, p.Glu1114Ter (NM_001130983.2, NM_001130455.2); c.3298G>T, p.Glu1100Ter (NM_001130984.2, NM_001130986.2); c.3391G>T, p.Glu1131Ter (NM_001130985.2); c.3337G>T, p.Glu1113Ter (NM_003494.4, NM_001130978.2); c.3295G>T, p.Glu1099Ter (NM_001130976.2, NM_001130977.2); and 1 more; short protein forms E1099*, E1130*, E1145*, E1100*, E1113*, E1114*, E1144*, E1131*.
Identifiers: ClinVar variation 2897678 (VCV002897678.5), dbSNP rs1231906656, ClinGen allele CA347218542.

ClinVar aggregate classification (germline): Pathogenic/Likely pathogenic. Review status: criteria provided, multiple submitters, no conflicts (2 of 4 stars). 3 submissions from 3 submitters: Pathogenic (1); Likely pathogenic (2). Last evaluated 2025-06-26.

Conditions:
Distal myopathy with anterior tibial onset. Identifiers: Orphanet 178400, MedGen C1847532, MONDO:0011721, OMIM 606768.
Miyoshi muscular dystrophy 1 (MMD1). Identifiers: Orphanet 45448, MedGen C4551973, MONDO:0024545, OMIM 254130.
Autosomal recessive limb-girdle muscular dystrophy type 2B (LGMDR2). Also called: Limb-Girdle Muscular Dystrophy Type 2B (LGMD2B); Limb-girdle muscular dystrophy, type 2B; MUSCULAR DYSTROPHY, LIMB-GIRDLE, AUTOSOMAL RECESSIVE 2; MUSCULAR DYSTROPHY, LIMB-GIRDLE, TYPE 3. Identifiers: Orphanet 268, MedGen C1850889, MONDO:0009676, OMIM 253601.
Neuromuscular disease caused by qualitative or quantitative defects of dysferlin. Also called: Dysferlinopathy; Qualitative or quantitative defects of dysferlin. Identifiers: Orphanet 207073, MedGen C2931687, MONDO:0016145.

Allele frequency attached by ClinVar (database versions not stated): gnomAD 0.00001; TOPMed 0.00001.
gnomAD v4.1: 1 of 1,613,660 alleles (0.000062%); highest among the groups gnomAD compares: Non-Finnish European, 0.000085%; no homozygotes.

Submissions (3):

Natera, Inc.
Classification: Likely pathogenic for Limb-girdle muscular dystrophy type 2B. Last evaluated: 2025-06-26. Review status: criteria provided, single submitter. Criteria: Natera Variant Classification Schema (03/2026). Collection method: clinical testing. Allele origin: germline.
Comment: The c.3337G>T variant in DYSF is a nonsense variant predicted to introduce a stop codon at amino acid 1113. This variant is expected to result in nonsense mediated decay, truncation, or a dysfunctional protein product. This variant is rare in the general population with a frequency below the threshold expected for the associated phenotype(s). Given the available evidence, this variant is classified as Likely Pathogenic.

Fulgent Genetics
Classification: Likely pathogenic for Autosomal recessive limb-girdle muscular dystrophy type 2B; Miyoshi muscular dystrophy 1; Distal myopathy with anterior tibial onset. Last evaluated: 2024-05-28. Review status: criteria provided, single submitter. Criteria: ACMG Guidelines, 2015. Collection method: clinical testing. Allele origin: germline.

Labcorp Genetics (formerly Invitae), Labcorp
Classification: Pathogenic for Neuromuscular disease caused by qualitative or quantitative defects of dysferlin. Last evaluated: 2023-11-15. Review status: criteria provided, single submitter. Criteria: Invitae Variant Classification Sherloc (09022015). Collection method: clinical testing. Allele origin: germline.
Comment: This sequence change creates a premature translational stop signal (p.Glu1113*) in the DYSF gene. It is expected to result in an absent or disrupted protein product. Loss-of-function variants in DYSF are known to be pathogenic (PMID: 17698709, 20301480). This variant is not present in population databases (gnomAD no frequency). This variant has not been reported in the literature in individuals affected with DYSF-related conditions. For these reasons, this variant has been classified as Pathogenic.

Literature cited by the submitters: PubMed 17698709 (cited by Labcorp Genetics (formerly Invitae), Labcorp); PubMed 20301480 (cited by Labcorp Genetics (formerly Invitae), Labcorp).